The following is an entry in ClinVar:

NM_000359.3(TGM1):c.856C>T (p.Arg286Trp)

Gene: TGM1 (transglutaminase 1; minus strand). Cytogenetic location: 14q12.
Variant type: single nucleotide variant.
Coding change: c.856C>T on transcript NM_000359.3 (MANE Select); coding-DNA position 856, C replaced by T.
Protein change: p.Arg286Trp; replaces arginine 286 with tryptophan.
Molecular consequence: missense variant.
Genome position (GRCh38, 1-based): chr14:24,259,960, G>A on the plus strand (C>T on the coding strand, the complement: TGM1 is on the minus strand). VCF-style: chr14-24259960-G-A. GRCh37 (hg19) VCF-style: chr14-24729166-G-A.
Other names: c.856C>T (NM_000359.2); short protein forms R286W.
Identifiers: ClinVar variation 633786 (VCV000633786.8), dbSNP rs773777400, ClinGen allele CA7131267.

ClinVar aggregate classification (germline): Pathogenic/Likely pathogenic. Review status: criteria provided, multiple submitters, no conflicts (2 of 4 stars). 6 submissions from 6 submitters: Pathogenic (1); Likely pathogenic (5). Last evaluated 2026-03-14.

Conditions:
Autosomal recessive congenital ichthyosis 1 (LI1). Also called: ICHTHYOSIS, CONGENITAL, AUTOSOMAL RECESSIVE 1, WITH OR WITHOUT BATHING SUIT DISTRIBUTION; COLLODION FETUS; DESQUAMATION OF NEWBORN; ICHTHYOSIS CONGENITA; ICHTHYOSIS CONGENITA II; LAMELLAR EXFOLIATION OF NEWBORN. Identifiers: MedGen C4551630, MONDO:0009441, OMIM 242300.
TGM1-related disorder. Also called: TGM1-related condition.

Allele frequency attached by ClinVar (database versions not stated): gnomAD exomes below 0.00001; ExAC 0.00001.
gnomAD v4.1: 9 of 1,614,088 alleles (0.00056%); highest among the groups gnomAD compares: East Asian, 0.0022%; no homozygotes.

Submissions (6):

Myriad Genetics, Inc.
Classification: Likely pathogenic for Autosomal recessive congenital ichthyosis 1. Last evaluated: 2026-03-14. Review status: criteria provided, single submitter. Criteria: Myriad Autosomal Dominant, Autosomal Recessive and X-Linked Classification Criteria (2023). Collection method: clinical testing. Allele origin: unknown.
Comment: NM_000359.2(TGM1):c.856C>T(R286W) is a missense variant classified as likely pathogenic in the context of TGM1-related autosomal recessive congenital ichthyosis. R286W has been observed in cases with relevant disease (PMID: 29653007, 30578701, 40709761). Relevant functional assessments of this variant are not available in the literature. Internal structural analysis of the variant is supportive of pathogenicity. R286W has been observed in referenced population frequency databases. In summary, NM_000359.2(TGM1):c.856C>T(R286W) is a missense variant that has internal structural support for pathogenicity and has been observed more frequently in cases with the relevant disease than in healthy populations. Please note: this variant was assessed in the context of healthy population screening.

Natera, Inc.
Classification: Likely pathogenic for Autosomal recessive congenital ichthyosis type 1. Last evaluated: 2025-01-28. Review status: criteria provided, single submitter. Criteria: Natera Variant Classification Schema (03/2026). Collection method: clinical testing. Allele origin: germline.
Comment: The c.856C>T variant in TGM1 is a missense variant predicted to cause substitution of arginine to tryptophan at amino acid 286. This variant is rare in the general population with a frequency below the threshold expected for the associated phenotype(s). This variant has been observed in one or more individuals affected with the associated recessive disease, as either homozygous or compound heterozygous with a second variant (PMID: 36676727). A different variant at the same position has been determined to be Pathogenic or Likely Pathogenic. Computational prediction algorithms indicate this variant is likely to affect gene or protein function. Given the available evidence, this variant is classified as Likely Pathogenic.

Baylor Genetics
Classification: Likely pathogenic for Autosomal recessive congenital ichthyosis 1. Last evaluated: 2024-03-26. Review status: criteria provided, single submitter. Criteria: ACMG Guidelines, 2015. Collection method: clinical testing. Allele origin: unknown.

Labcorp Genetics (formerly Invitae), Labcorp
Classification: Pathogenic. Last evaluated: 2024-03-19. Review status: criteria provided, single submitter. Criteria: Invitae Variant Classification Sherloc (09022015). Collection method: clinical testing. Allele origin: germline.
Comment: This sequence change replaces arginine, which is basic and polar, with tryptophan, which is neutral and slightly polar, at codon 286 of the TGM1 protein (p.Arg286Trp). This variant is present in population databases (rs773777400, gnomAD 0.003%). This missense change has been observed in individual(s) with TGM1-related conditions (PMID: 29653007, 30578701). ClinVar contains an entry for this variant (Variation ID: 633786). Advanced modeling of protein sequence and biophysical properties (such as structural, functional, and spatial information, amino acid conservation, physicochemical variation, residue mobility, and thermodynamic stability) has been performed at Invitae for this missense variant, however the output from this modeling did not meet the statistical confidence thresholds required to predict the impact of this variant on TGM1 protein function. Algorithms developed to predict the effect of sequence changes on RNA splicing suggest that this variant may disrupt the consensus splice site. This variant disrupts the p.Arg286 amino acid residue in TGM1. Other variant(s) that disrupt this residue have been determined to be pathogenic (PMID: 11298529, 28403434, 31168818). This suggests that this residue is clinically significant, and that variants that disrupt this residue are likely to be disease-causing. For these reasons, this variant has been classified as Pathogenic.

Blueprint Genetics
Classification: Likely pathogenic for TGM1-related disorders. Last evaluated: 2021-07-02. Review status: criteria provided, single submitter. Criteria: ACMG Guidelines, 2015. Collection method: clinical testing. Allele origin: germline. Affected: yes. Observed: 2 variant alleles.

Uitto Lab, Thomas Jefferson University
Classification: Likely pathogenic for Congenita IIs, Ichthyosis. Last evaluated: 2018-06-08. Review status: criteria provided, single submitter. Criteria: ACMG Guidelines, 2015. Collection method: clinical testing. Allele origin: germline. Affected: yes. Study: Rare heritable connective tissue and skin disorders in Iranian cohort.

Literature cited by the submitters: PubMed 29653007 (cited by Myriad Genetics, Inc. and Labcorp Genetics (formerly Invitae), Labcorp); PubMed 30578701 (cited by Myriad Genetics, Inc. and Labcorp Genetics (formerly Invitae), Labcorp); PubMed 40709761 (cited by Myriad Genetics, Inc.); PubMed 36676727 (cited by Natera, Inc.); PubMed 11298529 (cited by Labcorp Genetics (formerly Invitae), Labcorp); PubMed 28403434 (cited by Labcorp Genetics (formerly Invitae), Labcorp); PubMed 31168818 (cited by Labcorp Genetics (formerly Invitae), Labcorp).